The following is an entry in ClinVar:

NM_002381.5(MATN3):c.518C>A (p.Ala173Asp)

Gene: MATN3 (matrilin 3; minus strand). Cytogenetic location: 2p24.1.
Variant type: single nucleotide variant.
Coding change: c.518C>A on transcript NM_002381.5 (MANE Select); coding-DNA position 518, C replaced by A.
Protein change: p.Ala173Asp; replaces alanine 173 with aspartic acid.
Molecular consequence: missense variant.
Genome position (GRCh38, 1-based): chr2:20,006,016, G>T on the plus strand (C>A on the coding strand, the complement: MATN3 is on the minus strand). VCF-style: chr2-20006016-G-T. GRCh37 (hg19) VCF-style: chr2-20205777-G-T.
Other names: short protein forms A173D.
Identifiers: ClinVar variation 195171 (VCV000195171.8), dbSNP rs779413744, ClinGen allele CA241466.

ClinVar aggregate classification (germline): Uncertain significance. Review status: criteria provided, multiple submitters, no conflicts (2 of 4 stars). 3 submissions from 3 submitters: Uncertain significance (2). 1 of the submissions does not count toward it. Last evaluated 2025-08-20.

Conditions:
Multiple epiphyseal dysplasia. Also called: Multiple epiphyseal dysplasia (disease). Identifiers: Orphanet 251, MedGen C0026760, MONDO:0016648, HP:0002654.

gnomAD v4.1: 1 of 1,614,016 alleles (0.000062%); highest among the groups gnomAD compares: Non-Finnish European, 0.000085%; no homozygotes.

Submissions (3):

Labcorp Genetics (formerly Invitae), Labcorp
Classification: Uncertain significance. Last evaluated: 2025-08-20. Review status: criteria provided, single submitter. Criteria: Invitae Variant Classification Sherloc (09022015). Collection method: clinical testing. Allele origin: germline.
Comment: This sequence change replaces alanine, which is neutral and non-polar, with aspartic acid, which is acidic and polar, at codon 173 of the MATN3 protein (p.Ala173Asp). This variant is not present in population databases (gnomAD no frequency). This missense change has been observed in individual(s) with MATN3-related conditions (PMID: 18205203). ClinVar contains an entry for this variant (Variation ID: 195171). Invitae Evidence Modeling of protein sequence and biophysical properties (such as structural, functional, and spatial information, amino acid conservation, physicochemical variation, residue mobility, and thermodynamic stability) indicates that this missense variant is expected to disrupt MATN3 protein function with a positive predictive value of 80%. Experimental studies have shown that this missense change affects MATN3 function (PMID: 18205203). In summary, the available evidence is currently insufficient to determine the role of this variant in disease. Therefore, it has been classified as a Variant of Uncertain Significance.

Eurofins Ntd Llc (ga)
Classification: Uncertain significance. Last evaluated: 2015-04-09. Review status: criteria provided, single submitter. Criteria: EGL Classification Definitions 2015. Collection method: clinical testing. Allele origin: germline. Observed: 2 variant alleles, 2 heterozygotes.

GeneReviews
No classification provided. Condition: Multiple epiphyseal dysplasia. Review status: no classification provided. Collection method: literature only. Allele origin: germline. Not counted in ClinVar's aggregate classification.

Literature cited by the submitters: PubMed 18205203 (cited by Labcorp Genetics (formerly Invitae), Labcorp and Eurofins Ntd Llc (ga)); NCBI Bookshelf NBK1123 (cited by GeneReviews).